The following is an entry in ClinVar:

ClinVar aggregate classification (germline): Conflicting classifications of pathogenicity. Review status: criteria provided, conflicting classifications (1 of 4 stars). 2 submissions from 2 submitters: Likely pathogenic (1); Uncertain significance (1). Last evaluated 2023-11-01.

Submissions (2):

CeGaT Center for Human Genetics Tuebingen
Classification: Likely pathogenic. Last evaluated: 2023-11-01. Review status: criteria provided, single submitter. Criteria: CeGaT Center For Human Genetics Tuebingen Variant Classification Criteria Version 2. Collection method: clinical testing. Allele origin: germline. Affected: yes. Observed: 1 variant allele.
Comment: ALDH4A1: PM2, PP4:Moderate, PM3:Supporting, PP3

Women's Health and Genetics/Laboratory Corporation of America, LabCorp
Classification: Uncertain significance. Last evaluated: 2023-08-17. Review status: criteria provided, single submitter. Criteria: LabCorp Variant Classification Summary - May 2015. Collection method: clinical testing. Allele origin: germline.
Comment: Variant summary: ALDH4A1 c.1505G>A (p.Gly502Asp) results in a non-conservative amino acid change located in the Aldehyde dehydrogenase domain (IPR015590) of the encoded protein sequence. Five of five in-silico tools predict a damaging effect of the variant on protein function. The variant was absent in 251456 control chromosomes. The available data on variant occurrences in the general population are insufficient to allow any conclusion about variant significance. c.1505G>A has been reported in the literature in at least one individual with an unspecified phenotype (e.g. Stranneheim_2021). This report does not provide unequivocal conclusions about association of the variant with Deficiency of pyrroline-5-carboxylate reductase. To our knowledge, no experimental evidence demonstrating an impact on protein function has been reported. The following publication has been ascertained in the context of this evaluation (PMID: 33726816). No submitters have cited clinical-significance assessments for this variant to ClinVar after 2014. Based on the evidence outlined above, the variant was classified as uncertain significance.

Literature cited by the submitters: PubMed 33726816 (cited by Women's Health and Genetics/Laboratory Corporation of America, LabCorp).

NM_003748.4(ALDH4A1):c.1505G>A (p.Gly502Asp)

Gene: ALDH4A1 (aldehyde dehydrogenase 4 family member A1; minus strand). Cytogenetic location: 1p36.13.
Variant type: single nucleotide variant.
Coding change: c.1505G>A on transcript NM_003748.4 (MANE Select); coding-DNA position 1505, G replaced by A.
Protein change: p.Gly502Asp; replaces glycine 502 with aspartic acid.
Molecular consequence: missense variant.
Genome position (GRCh38, 1-based): chr1:18,874,537, C>T on the plus strand (G>A on the coding strand, the complement: ALDH4A1 is on the minus strand). VCF-style: chr1-18874537-C-T. GRCh37 (hg19) VCF-style: chr1-19201031-C-T.
Other names: c.1352G>A, p.Gly451Asp (NM_001319218.2); c.1505G>A, p.Gly502Asp (NM_170726.3); c.1325G>A, p.Gly442Asp (NM_001161504.2); short protein forms G442D, G451D, G502D.
Identifiers: ClinVar variation 2581184 (VCV002581184.24), dbSNP rs959859902, ClinGen allele CA338745603.